The following is an entry in ClinVar:

NM_000553.6(WRN):c.340G>A (p.Val114Ile)

Gene: WRN (WRN RecQ like helicase; plus strand). Cytogenetic location: 8p12.
Variant type: single nucleotide variant.
Coding change: c.340G>A on transcript NM_000553.6 (MANE Select); coding-DNA position 340, G replaced by A.
Protein change: p.Val114Ile; replaces valine 114 with isoleucine.
Molecular consequence: missense variant.
Genome position (GRCh38, 1-based): chr8:31,064,419, G>A. VCF-style: chr8-31064419-G-A. GRCh37 (hg19) VCF-style: chr8-30921935-G-A.
Other names: short protein forms V114I.
Identifiers: ClinVar variation 130760 (VCV000130760.30), dbSNP rs2230009, ClinGen allele CA156023.

ClinVar aggregate classification (germline): Benign/Likely benign. Review status: criteria provided, multiple submitters, no conflicts (2 of 4 stars). 15 submissions from 14 submitters: Benign (10); Likely benign (3). 2 of the submissions do not count toward it. Last evaluated 2026-02-04.

Conditions:
Wiskott-Aldrich syndrome (WAS). Also called: Wiskott-aldrich syndrome, somatic; WISKOTT-ALDRICH SYNDROME 1; ALDRICH SYNDROME; IMMUNODEFICIENCY 2. Identifiers: Orphanet 906, MedGen C0043194, MONDO:0010518, OMIM 301000.
Werner syndrome (WRN). Identifiers: Orphanet 902, MedGen C0043119, MONDO:0010196, OMIM 277700.

Allele frequency attached by ClinVar (database versions not stated): gnomAD exomes 0.05803; ExAC 0.05998; 1000 Genomes Project 0.07428; 1000 Genomes Project 30x 0.07433; TOPMed 0.07574; gnomAD 0.07620 and 0.07797; ESP Exome Variant Server 0.07966.
gnomAD v4.1: 101,876 of 1,613,308 alleles (6.3%); highest among the groups gnomAD compares: African/African-American, 13%; 3,572 homozygotes.

Submissions (15):

Labcorp Genetics (formerly Invitae), Labcorp
Classification: Benign for Werner syndrome. Last evaluated: 2026-02-04. Review status: criteria provided, single submitter. Criteria: Invitae Variant Classification Sherloc (09022015). Collection method: clinical testing. Allele origin: germline.

KCCC/NGS Laboratory, Kuwait Cancer Control Center
Classification: Benign for Werner syndrome. Last evaluated: 2025-02-01. Review status: criteria provided, single submitter. Criteria: ACMG Guidelines, 2015. Collection method: clinical testing. Allele origin: germline. Affected: no.

Genomic Medicine Center of Excellence, King Faisal Specialist Hospital and Research Centre
Classification: Benign for Werner syndrome. Last evaluated: 2024-12-19. Review status: criteria provided, single submitter. Criteria: ACMG Guidelines, 2015. Collection method: clinical testing. Allele origin: germline.

Blueprint Genetics
Classification: Likely benign. Last evaluated: 2024-11-27. Review status: criteria provided, single submitter. Criteria: ACMG Guidelines, 2015. Collection method: clinical testing. Allele origin: germline.

KCCC/NGS Laboratory, Kuwait Cancer Control Center
Classification: Benign for Wiskott-Aldrich syndrome. Last evaluated: 2023-07-07. Review status: criteria provided, single submitter. Criteria: ACMG Guidelines, 2015. Collection method: clinical testing. Allele origin: germline. Affected: yes.

Mayo Clinic Laboratories, Mayo Clinic
Classification: Benign. Last evaluated: 2021-12-29. Review status: criteria provided, single submitter. Criteria: ACMG Guidelines, 2015. Collection method: clinical testing. Allele origin: germline. Observed: 62 variant alleles.
Comment: BA1

Women's Health and Genetics/Laboratory Corporation of America, LabCorp
Classification: Likely benign. Last evaluated: 2021-12-10. Review status: criteria provided, single submitter. Criteria: LabCorp Variant Classification Summary - May 2015. Collection method: clinical testing. Allele origin: germline.

Genome-Nilou Lab
Classification: Benign for Werner syndrome. Last evaluated: 2021-12-05. Review status: criteria provided, single submitter. Criteria: ACMG Guidelines, 2015. Collection method: clinical testing. Allele origin: germline. Affected: no.

GeneDx
Classification: Benign. Last evaluated: 2018-08-16. Review status: criteria provided, single submitter. Criteria: GeneDx Variant Classification Process June 2021. Collection method: clinical testing. Allele origin: germline. Affected: yes.
Comment: This variant is associated with the following publications: (PMID: 25637295, 27153395, 17764108, 24728327, 23523974)

Illumina Laboratory Services, Illumina
Classification: Benign for Werner syndrome. Last evaluated: 2018-01-13. Review status: criteria provided, single submitter. Criteria: ICSL Variant Classification Criteria 13 December 2019. Collection method: clinical testing. Allele origin: germline.
Comment: This variant was observed in the ICSL laboratory as part of a predisposition screen in an ostensibly healthy population. It had not been previously curated by ICSL or reported in the Human Gene Mutation Database (HGMD: prior to June 1st, 2018), and was therefore a candidate for classification through an automated scoring system. Utilizing variant allele frequency, disease prevalence and penetrance estimates, and inheritance mode, an automated score was calculated to assess if this variant is too frequent to cause the disease. Based on the score and internal cut-off values, a variant classified as benign is not then subjected to further curation. The score for this variant resulted in a classification of benign for this disease.

Eurofins Ntd Llc (ga)
Classification: Benign. Last evaluated: 2016-09-28. Review status: criteria provided, single submitter. Criteria: EGL Classification Definitions 2015. Collection method: clinical testing. Allele origin: germline. Observed: 3 variant alleles, 3 heterozygotes.

Breakthrough Genomics
Classification: Likely benign. Review status: criteria provided, single submitter. Criteria: ACMG Guidelines, 2015. Collection method: not provided. Allele origin: germline. Inheritance: Autosomal recessive inheritance. Affected: yes.

PreventionGenetics, part of Exact Sciences
Classification: Benign. Review status: criteria provided, single submitter. Criteria: ACMG Guidelines, 2015. Collection method: clinical testing. Allele origin: germline.

ITMI
No classification provided. Condition: AllHighlyPenetrant. Last evaluated: 2013-09-19. Review status: no classification provided. Collection method: reference population. Allele origin: germline. Not counted in ClinVar's aggregate classification.
Comment: Please see associated publication for description of ethnicities

Genetic Services Laboratory, University of Chicago
Classification: Likely benign for AllHighlyPenetrant. Review status: no assertion criteria provided. Collection method: clinical testing. Allele origin: germline. Inheritance: Autosomal recessive inheritance. Not counted in ClinVar's aggregate classification.
Comment: Likely benign based on allele frequency in 1000 Genomes Project or ESP global frequency and its presence in a patient with a rare or unrelated disease phenotype. NOT Sanger confirmed.

Literature cited by the submitters: PubMed 24728327 (cited by ITMI).